The following is an entry in ClinVar:

ClinVar aggregate classification (germline): Uncertain significance (1 of 4 stars; one submission).

Conditions:
Charcot-Marie-Tooth disease axonal type 2U. Also called: CHARCOT-MARIE-TOOTH NEUROPATHY, TYPE 2U; CHARCOT-MARIE-TOOTH DISEASE, AXONAL, AUTOSOMAL DOMINANT, TYPE 2U. Identifiers: Orphanet 397735, MedGen C4084821, MONDO:0014566, OMIM 616280.
Severe early-onset pulmonary alveolar proteinosis due to MARS deficiency. Also called: PULMONARY ALVEOLAR PROTEINOSIS, REUNION ISLAND; Interstitial lung and liver disease. Identifiers: Orphanet 440427, MedGen C4225400, MONDO:0014206, OMIM 615486.

Submission:

Labcorp Genetics (formerly Invitae), Labcorp
Classification: Uncertain significance for Charcot-Marie-Tooth disease axonal type 2U; Severe early-onset pulmonary alveolar proteinosis due to MARS deficiency. Last evaluated: 2023-12-21. Review status: criteria provided, single submitter. Criteria: Invitae Variant Classification Sherloc (09022015). Collection method: clinical testing. Allele origin: germline.
Comment: This variant results in the deletion of part of exon 12 (c.1531_1539+14del) of the MARS gene. It is expected to disrupt RNA splicing. Variants that disrupt the donor or acceptor splice site typically lead to a loss of protein function (PMID: 16199547), however the current clinical and genetic evidence is not sufficient to establish whether loss-of-function variants in MARS cause disease. This variant is not present in population databases (gnomAD no frequency). This variant has not been reported in the literature in individuals affected with MARS-related conditions. In summary, the available evidence is currently insufficient to determine the role of this variant in disease. Therefore, it has been classified as a Variant of Uncertain Significance.

Literature cited by the submitters: PubMed 16199547.

NM_004990.4(MARS1):c.1531_1539+14del

Gene: MARS1 (methionyl-tRNA synthetase 1; plus strand). Cytogenetic location: 12q13.3.
Variant type: Deletion.
Coding change: c.1531_1539+14del on transcript NM_004990.4 (MANE Select); coding-DNA position 1531 through 14 bases into the intron after coding-DNA position 1539, 23 bases deleted (GAAGACAAGGTAAAAACCCTTTT).
Molecular consequence: splice donor variant.
Genome position (GRCh38, 1-based): chr12:57,511,860-57,511,882, GAAGACAAGGTAAAAACCCTTTT deleted; deleting any 23 consecutive bases within chr12:57,511,856-57,511,882 gives the same sequence; the c. name uses the placement nearest the transcript's 3' end. VCF-style (leftmost placement, unchanged base first): chr12-57511855-GTTTTGAAGACAAGGTAAAAACCC-G. GRCh37 (hg19) VCF-style: chr12-57905638-GTTTTGAAGACAAGGTAAAAACCC-G.
Identifiers: ClinVar variation 2929834 (VCV002929834.3), dbSNP rs1877537061, ClinGen allele CA948098827.